The following is an entry in ClinVar:

ClinVar aggregate classification (germline): Conflicting classifications of pathogenicity. Review status: criteria provided, conflicting classifications (1 of 4 stars). 5 submissions from 5 submitters: Uncertain significance (3); Benign (1); Likely benign (1). Last evaluated 2026-02-04.

Conditions:
Hereditary cancer-predisposing syndrome. Also called: Hereditary Cancer Syndrome; Hereditary neoplastic syndrome; Tumor predisposition; Neoplastic Syndromes, Hereditary. Identifiers: Orphanet 140162, MedGen C0027672, MeSH D009386, MONDO:0015356.

Allele frequency attached by ClinVar (database versions not stated): gnomAD exomes 0.00017 and 0.00045; ExAC 0.00057; 1000 Genomes Project 30x 0.00156; ESP Exome Variant Server 0.00170; gnomAD 0.00171 and 0.00174; 1000 Genomes Project 0.00180; TOPMed 0.00194.
gnomAD v4.1: 528 of 1,573,958 alleles (0.034%); highest among the groups gnomAD compares: African/African-American, 0.61%; 3 homozygotes.

Submissions (6):

Labcorp Genetics (formerly Invitae), Labcorp
Classification: Benign. Last evaluated: 2026-02-04. Review status: criteria provided, single submitter. Criteria: Invitae Variant Classification Sherloc (09022015). Collection method: clinical testing. Allele origin: germline.

Blueprint Genetics
Classification: Likely benign. Last evaluated: 2024-11-22. Review status: criteria provided, single submitter. Criteria: ACMG Guidelines, 2015. Collection method: clinical testing. Allele origin: germline.

ARUP Laboratories, Molecular Genetics and Genomics, ARUP Laboratories
Classification: Uncertain significance. Last evaluated: 2022-09-13. Review status: criteria provided, single submitter. Criteria: ARUP Molecular Germline Variant Investigation Process 2021. Collection method: clinical testing. Allele origin: germline.
Comment: The MSH3 c.1897-12T>A variant (rs56244266), to our knowledge, is not reported in the medical literature but is reported in ClinVar (Variation ID: 995588). This variant is found in the general population with an overall allele frequency of 0.06% (157/280632 alleles, including 1 homozygote) in the Genome Aggregation Database. This is an intronic variant in a moderately conserved nucleotide, and computational analyses (Alamut v.2.11) predict that this variant may impact splicing by weakening the nearby canonical acceptor splice site. However, given the lack of clinical and functional data, the significance of this variant is uncertain at this time.

GeneDx
Classification: Uncertain significance. Last evaluated: 2022-04-01. Review status: criteria provided, single submitter. Criteria: GeneDx Variant Classification Process June 2021. Collection method: clinical testing. Allele origin: germline. Affected: yes.
Comment: In silico analysis supports that this variant does not alter splicing; Has not been previously published as pathogenic or benign to our knowledge; Variants in candidate genes are classified as variants of uncertain significance in accordance with ACMG guidelines (Richards et al., 2015)

Sema4
Classification: Uncertain significance for Hereditary cancer-predisposing syndrome. Last evaluated: 2022-02-10. Review status: criteria provided, single submitter. Criteria: Sema4 Curation Guidelines. Collection method: curation. Allele origin: germline.
Comment: The MSH3 c.1897-12T>A variant has not been reported in the literature to our knowledge. It was observed in 138/24198 African/African American subpopulation, including 1 homozygote, in the large and broad cohorts of the Genome Aggregation Database (PMID: 32461654). This variant has been reported in ClinVar (Variation ID: 995588). The variant involves a conserved nucleotide, and in silico tools suggest that it does not impact splicing, though these predictions have not been confirmed by functional studies. The evidence is insufficient to meet ACMG/AMP criteria for classifying the variant as benign or pathogenic. Thus, the clinical significance of this variant is currently uncertain.

Dr. Peter K. Rogan Lab, Western University
No classification provided (evidence only). Condition: Familial cancer of breast. Review status: no classification provided. Collection method: in vitro. Allele origin: not applicable. Functional consequence: retained intron. Not counted in ClinVar's aggregate classification.

NM_002439.5(MSH3):c.1897-12T>A

Gene: MSH3 (mutS homolog 3; plus strand). Cytogenetic location: 5q14.1.
Variant type: single nucleotide variant.
Coding change: c.1897-12T>A on transcript NM_002439.5 (MANE Select); 12 bases into the intron before coding-DNA position 1897, T replaced by A.
Molecular consequence: intron variant.
Genome position (GRCh38, 1-based): chr5:80,767,921, T>A. VCF-style: chr5-80767921-T-A. GRCh37 (hg19) VCF-style: chr5-80063740-T-A.
Identifiers: ClinVar variation 995588 (VCV000995588.22), dbSNP rs56244266, ClinGen allele CA3328091.
Genomic context (GRCh38, chr5:80,767,921, plus strand): 5'-TTTAAAAGTCACTAATTAAACTTCATTTTCATGTATCTTATGCTATTTCATAAAAAATAT[T>A]TCTATTTTCAGTGTTCTACCCAAGAGTTCTTCTTGATTGTCAAAACTTTATATCACCTAA-3'